The following is an entry in ClinVar:

NM_001145638.3(GPSM1):c.1208-6C>T

Gene: GPSM1 (G protein signaling modulator 1; plus strand). Cytogenetic location: 9q34.3.
Variant type: single nucleotide variant.
Coding change: c.1208-6C>T on transcript NM_001145638.3 (MANE Select); 6 bases into the intron before coding-DNA position 1208, C replaced by T.
Molecular consequence: intron variant.
Genome position (GRCh38, 1-based): chr9:136,348,691, C>T. VCF-style: chr9-136348691-C-T. GRCh37 (hg19) VCF-style: chr9-139243143-C-T.
Identifiers: ClinVar variation 2659731 (VCV002659731.24), dbSNP rs76185667, ClinGen allele CA5331936.

ClinVar aggregate classification (germline): Likely benign (1 of 4 stars; one submission).

Allele frequency attached by ClinVar (database versions not stated): 1000 Genomes Project 30x 0.00109; 1000 Genomes Project 0.00120; TOPMed 0.00208; gnomAD 0.00212; ESP Exome Variant Server 0.00231; gnomAD exomes 0.00259; ExAC 0.00285.
gnomAD v4.1: 4,095 of 1,609,326 alleles (0.25%); highest among the groups gnomAD compares: Non-Finnish European, 0.31%; 6 homozygotes.

Submission:

CeGaT Center for Human Genetics Tuebingen
Classification: Likely benign. Last evaluated: 2022-11-01. Review status: criteria provided, single submitter. Criteria: CeGaT Center For Human Genetics Tuebingen Variant Classification Criteria Version 2. Collection method: clinical testing. Allele origin: germline. Affected: yes. Observed: 1 variant allele.
Comment: GPSM1: BP4, BS2